The following is an entry in ClinVar:

NM_000414.4(HSD17B4):c.*83T>G

Gene: HSD17B4 (hydroxysteroid 17-beta dehydrogenase 4; plus strand). Cytogenetic location: 5q23.1.
Variant type: single nucleotide variant.
Coding change: c.*83T>G on transcript NM_000414.4 (MANE Select); 83 bases downstream of the stop codon, T replaced by G.
Molecular consequence: 3 prime UTR variant.
Genome position (GRCh38, 1-based): chr5:119,542,077, T>G. VCF-style: chr5-119542077-T-G. GRCh37 (hg19) VCF-style: chr5-118877772-T-G.
Other names: c.*83T>G (NM_001199291.3, NM_001199292.2, NM_001292027.2 and 1 more transcripts).
Identifiers: ClinVar variation 350471 (VCV000350471.5), dbSNP rs181310520, ClinGen allele CA10622299.
Genomic context (GRCh38, chr5:119,542,077, plus strand): 5'-AAAATGGAATCATTAAATACTCTCTTCACCCAAATATGCTTGATTATTCTGCAAAAGTGA[T>G]TAGAACTAAGATGCAGGGGAAATTGCTTAACATTTTCAGATATCAGATAACTGCAGATTT-3'

ClinVar aggregate classification (germline): Likely benign. Review status: criteria provided, single submitter (1 of 4 stars). 2 submissions from 1 submitter: Likely benign (2). Last evaluated 2018-01-13.

Conditions:
Bifunctional peroxisomal enzyme deficiency (DBIF). Also called: DBP DEFICIENCY; PBFE DEFICIENCY; D-bifunctional protein deficiency. Identifiers: Orphanet 300, MedGen C0342870, MONDO:0009855, OMIM 261515. Disease mechanism: loss of function.
Perrault syndrome 1 (PRLTS1). Also called: GONADAL DYSGENESIS, XX TYPE, WITH DEAFNESS; OVARIAN DYSGENESIS WITH SENSORINEURAL DEAFNESS. Identifiers: Orphanet 2855, Orphanet 642945, MedGen C4551721, MONDO:0009300, OMIM 233400.

Allele frequency attached by ClinVar (database versions not stated): 1000 Genomes Project 0.00140; 1000 Genomes Project 30x 0.00141; gnomAD exomes 0.00178; gnomAD 0.00196 and 0.00199; TOPMed 0.00258.
gnomAD v4.1: 1,686 of 923,956 alleles (0.18%); highest among the groups gnomAD compares: Admixed American, 0.42%; no homozygotes.

Submissions (2):

Illumina Laboratory Services, Illumina
Classification: Likely benign for Perrault syndrome 1. Last evaluated: 2018-01-13. Review status: criteria provided, single submitter. Criteria: ICSL Variant Classification Criteria 13 December 2019. Collection method: clinical testing. Allele origin: germline.
Comment: This variant was observed in the ICSL laboratory as part of a predisposition screen in an ostensibly healthy population. It had not been previously curated by ICSL or reported in the Human Gene Mutation Database (HGMD: prior to June 1st, 2018), and was therefore a candidate for classification through an automated scoring system. Utilizing variant allele frequency, disease prevalence and penetrance estimates, and inheritance mode, an automated score was calculated to assess if this variant is too frequent to cause the disease. Based on the score and internal cut-off values, a variant classified as likely benign is not then subjected to further curation. The score for this variant resulted in a classification of likely benign for this disease.

Illumina Laboratory Services, Illumina
Classification: Likely benign for Bifunctional peroxisomal enzyme deficiency. Last evaluated: 2018-01-13. Review status: criteria provided, single submitter. Criteria: ICSL Variant Classification Criteria 13 December 2019. Collection method: clinical testing. Allele origin: germline.
Comment: the same text as in the submission from Illumina Laboratory Services, Illumina above.